The following is an entry in ClinVar:

ClinVar aggregate classification (germline): Uncertain significance. Review status: criteria provided, multiple submitters, no conflicts (2 of 4 stars). 2 submissions from 2 submitters: Uncertain significance (2). Last evaluated 2025-08-30.

Conditions:
Inborn genetic diseases. Identifiers: MedGen C0950123, MeSH D030342.
Combined immunodeficiency due to LRBA deficiency. Also called: Common variable immunodeficiency 8, with autoimmunity. Identifiers: Orphanet 445018, MedGen C3553512, MONDO:0013863, OMIM 614700.

Allele frequency attached by ClinVar (database versions not stated): gnomAD 0.00001; gnomAD exomes 0.00002; TOPMed 0.00002; ExAC 0.00003.
gnomAD v4.1: 26 of 1,611,768 alleles (0.0016%); highest among the groups gnomAD compares: Admixed American, 0.0067%; no homozygotes.

Submissions (2):

Ambry Genetics
Classification: Uncertain significance for Inborn genetic diseases. Last evaluated: 2025-08-30. Review status: criteria provided, single submitter. Criteria: Ambry Variant Classification Scheme 2023. Collection method: clinical testing. Allele origin: germline.

Labcorp Genetics (formerly Invitae), Labcorp
Classification: Uncertain significance for Combined immunodeficiency due to LRBA deficiency. Last evaluated: 2021-08-24. Review status: criteria provided, single submitter. Criteria: Invitae Variant Classification Sherloc (09022015). Collection method: clinical testing. Allele origin: germline.
Comment: This sequence change replaces methionine with valine at codon 711 of the LRBA protein (p.Met711Val). The methionine residue is moderately conserved and there is a small physicochemical difference between methionine and valine. This variant is present in population databases (rs530157333, ExAC 0.02%). This variant has not been reported in the literature in individuals affected with LRBA-related conditions. Algorithms developed to predict the effect of missense changes on protein structure and function are either unavailable or do not agree on the potential impact of this missense change (SIFT: "Tolerated"; PolyPhen-2: "Probably Damaging"; Align-GVGD: "Class C0"). In summary, the available evidence is currently insufficient to determine the role of this variant in disease. Therefore, it has been classified as a Variant of Uncertain Significance.

NM_001364905.1(LRBA):c.2131A>G (p.Met711Val)

Gene: LRBA (LPS responsive beige-like anchor protein; minus strand). Cytogenetic location: 4q31.3.
Variant type: single nucleotide variant.
Coding change: c.2131A>G on transcript NM_001364905.1 (MANE Select); coding-DNA position 2131, A replaced by G.
Protein change: p.Met711Val; replaces methionine 711 with valine.
Molecular consequence: missense variant.
Genome position (GRCh38, 1-based): chr4:150,893,086, T>C on the plus strand (A>G on the coding strand, the complement: LRBA is on the minus strand). VCF-style: chr4-150893086-T-C. GRCh37 (hg19) VCF-style: chr4-151814238-T-C.
Other names: c.2131A>G, p.Met711Val (NM_001199282.3, NM_001367550.1, NM_006726.5); short protein forms M711V.
Identifiers: ClinVar variation 1011455 (VCV001011455.7), dbSNP rs530157333, ClinGen allele CA3103354.